The following is an entry in ClinVar:

NM_004170.6(SLC1A1):c.*1784G>A

Gene: SLC1A1 (solute carrier family 1 member 1; plus strand). Cytogenetic location: 9p24.2.
Variant type: single nucleotide variant.
Coding change: c.*1784G>A on transcript NM_004170.6 (MANE Select); 1784 bases downstream of the stop codon, G replaced by A.
Molecular consequence: 3 prime UTR variant.
Genome position (GRCh38, 1-based): chr9:4,587,342, G>A. VCF-style: chr9-4587342-G-A. GRCh37 (hg19) VCF-style: chr9-4587342-G-A.
Identifiers: ClinVar variation 913972 (VCV000913972.4), dbSNP rs529662948, ClinGen allele CA188360470.

ClinVar aggregate classification (germline): Likely benign (1 of 4 stars; one submission).

Conditions:
Dicarboxylic aminoaciduria (DCBXA). Also called: GLUTAMATE-ASPARTATE TRANSPORT DEFECT. Identifiers: Orphanet 2195, MedGen C1857253, MONDO:0009110, OMIM 222730.

Allele frequency attached by ClinVar (database versions not stated): 1000 Genomes Project 30x 0.00078; 1000 Genomes Project 0.00080; TOPMed 0.00099; gnomAD 0.00101 and 0.00106.
gnomAD v4.1: 152 of 152,330 alleles (0.1%); highest among the groups gnomAD compares: African/African-American, 0.35%; no homozygotes.

Submission:

Illumina Laboratory Services, Illumina
Classification: Likely benign for Dicarboxylic aminoaciduria. Last evaluated: 2018-01-12. Review status: criteria provided, single submitter. Criteria: ICSL Variant Classification Criteria 13 December 2019. Collection method: clinical testing. Allele origin: germline.
Comment: This variant was observed in the ICSL laboratory as part of a predisposition screen in an ostensibly healthy population. It had not been previously curated by ICSL or reported in the Human Gene Mutation Database (HGMD: prior to June 1st, 2018), and was therefore a candidate for classification through an automated scoring system. Utilizing variant allele frequency, disease prevalence and penetrance estimates, and inheritance mode, an automated score was calculated to assess if this variant is too frequent to cause the disease. Based on the score and internal cut-off values, a variant classified as likely benign is not then subjected to further curation. The score for this variant resulted in a classification of likely benign for this disease.